The following is an entry in ClinVar:

NM_002691.4(POLD1):c.2251-66C>A

Gene: POLD1 (DNA polymerase delta 1, catalytic subunit; plus strand). Cytogenetic location: 19q13.33.
Variant type: single nucleotide variant.
Coding change: c.2251-66C>A on transcript NM_002691.4 (MANE Select); 66 bases into the intron before coding-DNA position 2251, C replaced by A.
Molecular consequence: intron variant.
Genome position (GRCh38, 1-based): chr19:50,413,676, C>A. VCF-style: chr19-50413676-C-A. GRCh37 (hg19) VCF-style: chr19-50916933-C-A.
Other names: c.2251-66C>A (NM_001256849.1); c.2329-66C>A (NM_001308632.1).
Identifiers: ClinVar variation 676799 (VCV000676799.2), dbSNP rs1274608, ClinGen allele CA309604416.

ClinVar aggregate classification (germline): Likely benign. Review status: criteria provided, multiple submitters, no conflicts (2 of 4 stars). 2 submissions from 2 submitters: Likely benign (2). Last evaluated 2018-06-18.

Allele frequency attached by ClinVar (database versions not stated): gnomAD exomes 0.00089; gnomAD 0.01002 and 0.01079; 1000 Genomes Project 30x 0.01109; TOPMed 0.01119; 1000 Genomes Project 0.01138.
gnomAD v4.1: 2,834 of 1,557,800 alleles (0.18%); highest among the groups gnomAD compares: African/African-American, 3.4%; 47 homozygotes.

Submissions (2):

GeneDx
Classification: Likely benign. Last evaluated: 2018-06-18. Review status: criteria provided, single submitter. Criteria: GeneDx Variant Classification (06012015). Collection method: clinical testing. Allele origin: germline. Affected: yes.
Comment: This variant is considered likely benign or benign based on one or more of the following criteria: it is a conservative change, it occurs at a poorly conserved position in the protein, it is predicted to be benign by multiple in silico algorithms, and/or has population frequency not consistent with disease.

Breakthrough Genomics
Classification: Likely benign. Review status: criteria provided, single submitter. Criteria: ACMG Guidelines, 2015. Collection method: not provided. Allele origin: germline. Inheritance: Autosomal dominant inheritance. Affected: yes.